The following is an entry in ClinVar:

ClinVar aggregate classification (germline): Conflicting classifications of pathogenicity. Review status: criteria provided, conflicting classifications (1 of 4 stars). 5 submissions from 5 submitters: Uncertain significance (4); Likely benign (1). Last evaluated 2025-09-12.

Conditions:
Inborn genetic diseases. Identifiers: MedGen C0950123, MeSH D030342.
Acute myeloid leukemia (AML). Also called: Leukemia, acute myeloid, somatic; Leukemia, acute myelogenous, somatic; Acute myeloid leukemia, adult; AML adult; Acute non-lymphocytic leukemia; Acute granulocytic leukemia. Identifiers: Orphanet 519, MedGen C0023467, MeSH D015470, MONDO:0018874, OMIM 601626, HP:0004808. Disease mechanism: Constitutively activated FLT3.

Allele frequency attached by ClinVar (database versions not stated): TOPMed 0.00001; gnomAD 0.00003; gnomAD exomes 0.00003.

Submissions (5):

Labcorp Genetics (formerly Invitae), Labcorp
Classification: Uncertain significance for Acute myeloid leukemia. Last evaluated: 2025-09-12. Review status: criteria provided, single submitter. Criteria: Invitae Variant Classification Sherloc (09022015). Collection method: clinical testing. Allele origin: germline.
Comment: This sequence change replaces proline, which is neutral and non-polar, with serine, which is neutral and polar, at codon 129 of the CEBPA protein (p.Pro129Ser). The frequency data for this variant in the population databases is considered unreliable, as metrics indicate insufficient coverage at this position in the gnomAD database. This variant has not been reported in the literature in individuals affected with CEBPA-related conditions. ClinVar contains an entry for this variant (Variation ID: 456683). Invitae Evidence Modeling of protein sequence and biophysical properties (such as structural, functional, and spatial information, amino acid conservation, physicochemical variation, residue mobility, and thermodynamic stability) indicates that this missense variant is not expected to disrupt CEBPA protein function with a negative predictive value of 80%. In summary, the available evidence is currently insufficient to determine the role of this variant in disease. Therefore, it has been classified as a Variant of Uncertain Significance.

Ambry Genetics
Classification: Likely benign for Inborn genetic diseases. Last evaluated: 2024-12-12. Review status: criteria provided, single submitter. Criteria: Ambry Variant Classification Scheme 2023. Collection method: clinical testing. Allele origin: germline.

GeneDx
Classification: Uncertain significance. Last evaluated: 2024-06-13. Review status: criteria provided, single submitter. Criteria: GeneDx Variant Classification Process June 2021. Collection method: clinical testing. Allele origin: germline. Affected: yes.
Comment: Not observed at significant frequency in large population cohorts (gnomAD); In silico analysis supports that this missense variant does not alter protein structure/function; Has not been previously published as pathogenic or benign to our knowledge; This variant is associated with the following publications: (PMID: 21455213, 16735515)

Baylor Genetics
Classification: Uncertain significance for Acute myeloid leukemia. Last evaluated: 2023-11-23. Review status: criteria provided, single submitter. Criteria: ACMG Guidelines, 2015. Collection method: clinical testing. Allele origin: unknown.

Genetic Services Laboratory, University of Chicago
Classification: Uncertain significance. Last evaluated: 2019-02-08. Review status: criteria provided, single submitter. Criteria: ACMG Guidelines, 2015. Collection method: clinical testing. Allele origin: germline. Affected: no.

NM_004364.5(CEBPA):c.385C>T (p.Pro129Ser)

Gene: CEBPA (CCAAT enhancer binding protein alpha; minus strand). Cytogenetic location: 19q13.11.
Variant type: single nucleotide variant.
Coding change: c.385C>T on transcript NM_004364.5 (MANE Select); coding-DNA position 385, C replaced by T.
Protein change: p.Pro129Ser; replaces proline 129 with serine.
Molecular consequence: missense variant.
Genome position (GRCh38, 1-based): chr19:33,302,030, G>A on the plus strand (C>T on the coding strand, the complement: CEBPA is on the minus strand). VCF-style: chr19-33302030-G-A. GRCh37 (hg19) VCF-style: chr19-33792936-G-A.
Other names: c.28C>T, p.Pro10Ser (NM_001285829.2); c.490C>T, p.Pro164Ser (NM_001287424.2); c.343C>T, p.Pro115Ser (NM_001287435.2); c.385C>T (NM_004364.3); short protein forms P129S, P115S, P164S, P10S.
Identifiers: ClinVar variation 456683 (VCV000456683.18), dbSNP rs1328994773, ClinGen allele CA405275064.
Genomic context (GRCh38, chr19:33,302,030, plus strand): 5'-GCTCGTACAGGGGCTCCAGCCTGCCGTCCAGGTAGCCGGCGGCCGCGCAGCCGTAGCCGG[G>A]CGGGGGCCCGTGCGCTCCCCCGGGCATGACGGCGCCGCCGGGGCCCGCGGGCGCGCCCGG-3'
Protein context (NP_004355.2, residues 119-139): VMPGGAHGPP[Pro129Ser]GYGCAAAGYL